The following is an entry in ClinVar:

NM_000535.7(PMS2):c.850T>C (p.Ser284Pro)

Gene: PMS2 (PMS1 homolog 2, mismatch repair system component; minus strand). Cytogenetic location: 7p22.1.
Variant type: single nucleotide variant.
Coding change: c.850T>C on transcript NM_000535.7 (MANE Select); coding-DNA position 850, T replaced by C.
Protein change: p.Ser284Pro; replaces serine 284 with proline.
Molecular consequence: missense variant. On other transcripts: 5 prime UTR variant (2), non-coding transcript variant (1).
Genome position (GRCh38, 1-based): chr7:5,995,587, A>G on the plus strand (T>C on the coding strand, the complement: PMS2 is on the minus strand). VCF-style: chr7-5995587-A-G. GRCh37 (hg19) VCF-style: chr7-6035218-A-G.
Other names: c.445T>C, p.Ser149Pro (NM_001018040.1, NM_001322003.2, NM_001322004.2 and 20 more transcripts); c.850T>C, p.Ser284Pro (NM_001322006.2, NM_001322014.2, NM_001406870.1 and 2 more transcripts); c.532T>C, p.Ser178Pro (NM_001322007.2, NM_001322008.2, NM_001406876.1 and 4 more transcripts); c.-84T>C (NM_001322011.2, NM_001322012.2); c.277T>C, p.Ser93Pro (NM_001322013.2, NM_001406909.1); c.541T>C, p.Ser181Pro (NM_001322015.2, NM_001406875.1, NM_001406877.1 and 6 more transcripts); c.1036T>C, p.Ser346Pro (NM_001406866.1); c.874T>C, p.Ser292Pro (NM_001406868.1); and 4 more; short protein forms S113P, S149P, S181P, S284P, S292P, S172P, S228P, S178P.
Identifiers: ClinVar variation 2049652 (VCV002049652.5), dbSNP rs2128775672, ClinGen allele CA366743493.
Genomic context (GRCh38, chr7:5,995,587, plus strand): 5'-TAAATACCTTTGCTGGGTCACAAGGCCGCCGGTTGATAAAGAAAAACTGTCTGTCTGTTG[A>G]ACTCCTTCCAACTCCATGCGTGCATTGTGAAATGAAACCTGAGATGCTATTCAACATTAA-3'
Protein context (NP_000526.2, residues 274-294): SQCTHGVGRS[Ser284Pro]TDRQFFFINR

ClinVar aggregate classification (germline): Uncertain significance. Review status: criteria provided, multiple submitters, no conflicts (2 of 4 stars). 2 submissions from 2 submitters: Uncertain significance (2). Last evaluated 2026-03-17.

Conditions:
Hereditary nonpolyposis colorectal neoplasms. Identifiers: MedGen C0009405, MeSH D003123.
Hereditary cancer-predisposing syndrome. Also called: Neoplastic Syndromes, Hereditary; Tumor predisposition; Hereditary Cancer Syndrome; Hereditary neoplastic syndrome. Identifiers: Orphanet 140162, MedGen C0027672, MeSH D009386, MONDO:0015356.

Submissions (2):

Ambry Genetics
Classification: Uncertain significance for Hereditary cancer-predisposing syndrome. Last evaluated: 2026-03-17. Review status: criteria provided, single submitter. Criteria: Ambry Variant Classification Scheme 2023. Collection method: clinical testing. Allele origin: germline.
Comment: The p.S284P variant (also known as c.850T>C), located in coding exon 8 of the PMS2 gene, results from a T to C substitution at nucleotide position 850. The serine at codon 284 is replaced by proline, an amino acid with similar properties. This amino acid position is conserved. In addition, the in silico prediction for this alteration is inconclusive. Based on the available evidence, the clinical significance of this variant remains unclear.

Labcorp Genetics (formerly Invitae), Labcorp
Classification: Uncertain significance for Hereditary nonpolyposis colorectal neoplasms. Last evaluated: 2024-07-09. Review status: criteria provided, single submitter. Criteria: Invitae Variant Classification Sherloc (09022015). Collection method: clinical testing. Allele origin: germline.
Comment: This sequence change replaces serine, which is neutral and polar, with proline, which is neutral and non-polar, at codon 284 of the PMS2 protein (p.Ser284Pro). This variant is not present in population databases (gnomAD no frequency). This variant has not been reported in the literature in individuals affected with PMS2-related conditions. ClinVar contains an entry for this variant (Variation ID: 2049652). Advanced modeling of protein sequence and biophysical properties (such as structural, functional, and spatial information, amino acid conservation, physicochemical variation, residue mobility, and thermodynamic stability) performed at Invitae indicates that this missense variant is expected to disrupt PMS2 protein function with a positive predictive value of 80%. In summary, the available evidence is currently insufficient to determine the role of this variant in disease. Therefore, it has been classified as a Variant of Uncertain Significance.